The following is an entry in ClinVar:

NM_001040108.2(MLH3):c.278G>C (p.Arg93Pro)

Gene: MLH3 (mutL homolog 3; minus strand). Cytogenetic location: 14q24.3.
Variant type: single nucleotide variant.
Coding change: c.278G>C on transcript NM_001040108.2 (MANE Select); coding-DNA position 278, G replaced by C.
Protein change: p.Arg93Pro; replaces arginine 93 with proline.
Molecular consequence: missense variant.
Genome position (GRCh38, 1-based): chr14:75,049,378, C>G on the plus strand (G>C on the coding strand, the complement: MLH3 is on the minus strand). VCF-style: chr14-75049378-C-G. GRCh37 (hg19) VCF-style: chr14-75516081-C-G.
Other names: c.278G>C, p.Arg93Pro (NM_014381.3); short protein forms R93P.
Identifiers: ClinVar variation 3295086 (VCV003295086.1).
Genomic context (GRCh38, chr14:75,049,378, plus strand): 5'-TTCTTGGACGAAATTTCCACAGCACTGGCCATGTCAGCAATATTTGCCAAGGCCTCTCCT[C>G]GGAAACCATAAAACCTTGGATTCTCCAAGTCCTGTACCGAGTGGCATTTACTGGTGAAAT-3'
Protein context (NP_001035197.1, residues 83-103): DLENPRFYGF[Arg93Pro]GEALANIADM

ClinVar aggregate classification (germline): Uncertain significance (1 of 4 stars; one submission).

Submission:

Ambry Genetics
Classification: Uncertain significance. Last evaluated: 2024-03-22. Review status: criteria provided, single submitter. Criteria: Ambry Variant Classification Scheme 2023. Collection method: clinical testing. Allele origin: germline.
Comment: The p.R93P variant (also known as c.278G>C), located in coding exon 1 of the MLH3 gene, results from a G to C substitution at nucleotide position 278. The arginine at codon 93 is replaced by proline, an amino acid with dissimilar properties. This amino acid position is highly conserved in available vertebrate species. In addition, this alteration is predicted to be deleterious by in silico analysis. The evidence for this gene-disease relationship is limited; therefore, the clinical significance of this alteration is unclear.